The following is an entry in ClinVar:

NM_000535.7(PMS2):c.804-38C>A

Gene: PMS2 (PMS1 homolog 2, mismatch repair system component; minus strand). Cytogenetic location: 7p22.1.
Variant type: single nucleotide variant.
Coding change: c.804-38C>A on transcript NM_000535.7 (MANE Select); 38 bases into the intron before coding-DNA position 804, C replaced by A.
Molecular consequence: intron variant.
Genome position (GRCh38, 1-based): chr7:5,995,671, G>T on the plus strand (C>A on the coding strand, the complement: PMS2 is on the minus strand). VCF-style: chr7-5995671-G-T. GRCh37 (hg19) VCF-style: chr7-6035302-G-T.
Other names: c.486-38C>A (NM_001322008.2, NM_001406902.1, NM_001406883.1 and 4 more transcripts); c.495-38C>A (NM_001406881.1, NM_001406879.1, NM_001322015.2 and 6 more transcripts); c.399-38C>A (NM_001406895.1, NM_001322010.2, NM_001322004.2 and 19 more transcripts); c.133-3614C>A (NM_001406911.1); c.291-38C>A (NM_001406904.1, NM_001406905.1); c.231-38C>A (NM_001322013.2, NM_001406909.1); c.-130-38C>A (NM_001322012.2, NM_001322011.2); c.468-38C>A (NM_001406885.1); and 8 more.
Identifiers: ClinVar variation 3904247 (VCV003904247.1).

ClinVar aggregate classification (germline): Benign (1 of 4 stars; one submission).

Conditions:
Lynch syndrome 4 (LYNCH4). Also called: Colorectal cancer, hereditary nonpolyposis, type 4; Hereditary non-polyposis colorectal cancer, type 4. Identifiers: Orphanet 144, MedGen C1838333, MONDO:0013699, OMIM 614337. Disease mechanism: loss of function.

Submission:

Myriad Genetics, Inc.
Classification: Benign for Lynch syndrome 4. Last evaluated: 2025-01-28. Review status: criteria provided, single submitter. Criteria: Myriad Autosomal Dominant, Autosomal Recessive and X-Linked Classification Criteria (2023). Collection method: clinical testing. Allele origin: unknown.
Comment: This variant is considered benign. This variant is intronic and is not expected to impact mRNA splicing.